The following is an entry in ClinVar:

ClinVar aggregate classification (germline): Conflicting classifications of pathogenicity. Review status: criteria provided, conflicting classifications (1 of 4 stars). 2 submissions from 2 submitters: Uncertain significance (1); Likely benign (1). Last evaluated 2025-10-01.

Allele frequency attached by ClinVar (database versions not stated): gnomAD exomes 0.00002; ExAC 0.00003; ESP Exome Variant Server 0.00008; gnomAD 0.00008; TOPMed 0.00011.
gnomAD v4.1: 47 of 1,611,720 alleles (0.0029%); highest among the groups gnomAD compares: African/African-American, 0.025%; no homozygotes.

Submissions (2):

CeGaT Center for Human Genetics Tuebingen
Classification: Likely benign. Last evaluated: 2025-10-01. Review status: criteria provided, single submitter. Criteria: CeGaT Center For Human Genetics Tuebingen Variant Classification Criteria Version 2. Collection method: clinical testing. Allele origin: germline. Affected: yes. Observed: 1 variant allele.
Comment: SEC24C: BP4

Ambry Genetics
Classification: Uncertain significance. Last evaluated: 2024-02-27. Review status: criteria provided, single submitter. Criteria: Ambry Variant Classification Scheme 2023. Collection method: clinical testing. Allele origin: germline.

NM_198597.3(SEC24C):c.1771G>A (p.Val591Ile)

Gene: SEC24C (SEC24 homolog C, COPII component; plus strand). Cytogenetic location: 10q22.2.
Variant type: single nucleotide variant.
Coding change: c.1771G>A on transcript NM_198597.3 (MANE Select); coding-DNA position 1771, G replaced by A.
Protein change: p.Val591Ile; replaces valine 591 with isoleucine.
Molecular consequence: missense variant.
Genome position (GRCh38, 1-based): chr10:73,766,513, G>A. VCF-style: chr10-73766513-G-A. GRCh37 (hg19) VCF-style: chr10-75526271-G-A.
Other names: c.1771G>A, p.Val591Ile (NM_004922.4); short protein forms V591I.
Identifiers: ClinVar variation 3159311 (VCV003159311.7), dbSNP rs377675100, ClinGen allele CA5558473.